The following is an entry in ClinVar:

ClinVar aggregate classification (germline): Pathogenic (1 of 4 stars; one submission).

gnomAD v4.1: 20 of 1,614,236 alleles (0.0012%); highest among the groups gnomAD compares: Non-Finnish European, 0.0017%; no homozygotes.

Submission:

Labcorp Genetics (formerly Invitae), Labcorp
Classification: Pathogenic. Last evaluated: 2025-12-15. Review status: criteria provided, single submitter. Criteria: Invitae Variant Classification Sherloc (09022015). Collection method: clinical testing. Allele origin: germline.
Comment: This sequence change creates a premature translational stop signal (p.Trp892*) in the BMP1 gene. It is expected to result in an absent or disrupted protein product. Loss-of-function variants in BMP1 are known to be pathogenic (PMID: 25656619, 27576954, 28257626). This variant is not present in population databases (gnomAD no frequency). This variant has not been reported in the literature in individuals affected with BMP1-related conditions. ClinVar contains an entry for this variant (Variation ID: 3729016). For these reasons, this variant has been classified as Pathogenic.

Literature cited by the submitters: PubMed 25656619; PubMed 27576954; PubMed 28257626.

NM_006129.5(BMP1):c.2675G>A (p.Trp892Ter)

Gene: BMP1 (bone morphogenetic protein 1; plus strand). Cytogenetic location: 8p21.3.
Variant type: single nucleotide variant.
Coding change: c.2675G>A on transcript NM_006129.5 (MANE Select); coding-DNA position 2675, G replaced by A.
Protein change: p.Trp892Ter; replaces tryptophan 892 with a stop codon.
Molecular consequence: nonsense. On other transcripts: non-coding transcript variant (1).
Genome position (GRCh38, 1-based): chr8:22,209,544, G>A. VCF-style: chr8-22209544-G-A. GRCh37 (hg19) VCF-style: chr8-22067057-G-A.
Other names: short protein forms W892*.
Identifiers: ClinVar variation 3729016 (VCV003729016.2).